The following is an entry in ClinVar:

ClinVar aggregate classification (germline): Uncertain significance (1 of 4 stars; one submission).

Conditions:
Inborn genetic diseases. Identifiers: MedGen C0950123, MeSH D030342.

Allele frequency attached by ClinVar (database versions not stated): TOPMed below 0.00001; gnomAD 0.00001.
gnomAD v4.1: 3 of 1,611,900 alleles (0.00019%); highest among the groups gnomAD compares: Admixed American, 0.0033%; no homozygotes.

Submission:

Ambry Genetics
Classification: Uncertain significance for Inborn genetic diseases. Last evaluated: 2020-11-09. Review status: criteria provided, single submitter. Criteria: Ambry Variant Classification Scheme 2023. Collection method: clinical testing. Allele origin: germline.
Comment: The c.3026C>T (p.P1009L) alteration is located in exon 30 (coding exon 29) of the RTEL1 gene. This alteration results from a C to T substitution at nucleotide position 3026, causing the proline (P) at amino acid position 1009 to be replaced by a leucine (L). Based on data from the Genome Aggregation Database (gnomAD) database, the RTEL1 c.3026C>T alteration was observed in <0.01% (1/248658) of total alleles studied. This amino acid position is not well conserved in available vertebrate species. The p.P1009L alteration is predicted to be tolerated by in silico analysis. Based on insufficient or conflicting evidence, the clinical significance of this alteration remains unclear.

NM_001283009.2(RTEL1):c.2954C>T (p.Pro985Leu)

Genes: RTEL1 (regulator of telomere elongation helicase 1; plus strand), RTEL1-TNFRSF6B (RTEL1-TNFRSF6B readthrough (NMD candidate); plus strand). Cytogenetic location: 20q13.33.
Variant type: single nucleotide variant.
Coding change: c.2954C>T on transcript NM_001283009.2 (MANE Select); coding-DNA position 2954, C replaced by T.
Protein change: p.Pro985Leu; replaces proline 985 with leucine.
Molecular consequence: missense variant. On other transcripts: non-coding transcript variant (1).
Genome position (GRCh38, 1-based): chr20:63,693,245, C>T. VCF-style: chr20-63693245-C-T. GRCh37 (hg19) VCF-style: chr20-62324598-C-T.
Other names: c.2285C>T, p.Pro762Leu (NM_001283010.1); c.2954C>T, p.Pro985Leu (NM_016434.4); c.3026C>T, p.Pro1009Leu (NM_032957.5); short protein forms P985L, P1009L, P762L.
Identifiers: ClinVar variation 2227853 (VCV002227853.2), dbSNP rs1462195263, ClinGen allele CA409683375.